The following is an entry in ClinVar:

NM_001018005.2(TPM1):c.639+13del

Gene: TPM1 (tropomyosin 1; plus strand). Cytogenetic location: 15q22.2.
Variant type: Deletion.
Coding change: c.639+13del on transcript NM_001018005.2 (MANE Select); 13 bases into the intron after coding-DNA position 639, one base deleted (G; older notation c.639+13delG).
Molecular consequence: intron variant.
Genome position (GRCh38, 1-based): chr15:63,061,801, G deleted; the last of 2 consecutive G bases (chr15:63,061,800-63,061,801); deleting either gives the same sequence. VCF-style (leftmost placement, unchanged base first): chr15-63061799-AG-A. GRCh37 (hg19) VCF-style: chr15-63353998-AG-A.
Other names: c.639+12delG (NM_001018005.1); c.639+13delG (NM_001018005.2); c.765+13del (NM_001365778.1); c.640-414del (NM_001018020.2, NM_001018006.2, NM_000366.6); c.639+13del (NM_001018007.2, NM_001365776.1, NM_001018004.2 and 3 more transcripts); c.532-414del (NM_001330351.2, NM_001330344.2, NM_001365781.2); c.531+13del (NM_001018008.2, NM_001301289.2, NM_001365782.1 and 2 more transcripts).
Identifiers: ClinVar variation 43681 (VCV000043681.22), dbSNP rs397516488, ClinGen allele CA019214.

ClinVar aggregate classification (germline): Benign/Likely benign. Review status: criteria provided, multiple submitters, no conflicts (2 of 4 stars). 8 submissions from 8 submitters: Benign (3); Likely benign (2). 3 of the submissions do not count toward it. Last evaluated 2026-01-28.

Conditions:
Hypertrophic cardiomyopathy. Also called: HYPERTROPHIC MYOCARDIOPATHY. Identifiers: Orphanet 217569, MedGen C0007194, MeSH D002312, MONDO:0005045, HP:0001639.

Submissions (8):

Labcorp Genetics (formerly Invitae), Labcorp
Classification: Benign for Hypertrophic cardiomyopathy. Last evaluated: 2026-01-28. Review status: criteria provided, single submitter. Criteria: Invitae Variant Classification Sherloc (09022015). Collection method: clinical testing. Allele origin: germline.

Women's Health and Genetics/Laboratory Corporation of America, LabCorp
Classification: Benign. Last evaluated: 2025-12-29. Review status: criteria provided, single submitter. Criteria: LabCorp Variant Classification Summary - May 2015. Collection method: clinical testing. Allele origin: germline.

Blueprint Genetics
Classification: Likely benign. Last evaluated: 2024-11-11. Review status: criteria provided, single submitter. Criteria: ACMG Guidelines, 2015. Collection method: clinical testing. Allele origin: germline.

Laboratory for Molecular Medicine, Mass General Brigham Personalized Medicine
Classification: Likely benign. Last evaluated: 2017-03-03. Review status: criteria provided, single submitter. Criteria: LMM Criteria. Collection method: clinical testing. Allele origin: germline. Observed: 4 variant alleles.
Comment: c.639+13delG in intron 6B of TPM1: This variant is not expected to have clinical significance because it is not located within the splice consensus sequence. It has been identified in 0.3% (38/10218) of African chromosomes by the Exome Aggr egation Consortium (ExAC).

GeneDx
Classification: Benign. Last evaluated: 2015-03-03. Review status: criteria provided, single submitter. Criteria: GeneDx Variant Classification Process June 2021. Collection method: clinical testing. Allele origin: germline. Affected: yes.

Cohesion Phenomics
Classification: Likely benign for Hypertrophic Cardiomyopathy. Last evaluated: 2022-09-29. Review status: no assertion criteria provided. Criteria: ACMG Guidelines, 2015. Collection method: clinical testing. Allele origin: germline. Affected: yes. Not counted in ClinVar's aggregate classification.

Clinical Genetics DNA and cytogenetics Diagnostics Lab, Erasmus MC, Erasmus Medical Center
Classification: Benign. Review status: no assertion criteria provided. Collection method: clinical testing. Allele origin: germline. Affected: yes. Study: VKGL Data-share Consensus. Not counted in ClinVar's aggregate classification.

Clinical Genetics, Academic Medical Center
Classification: Benign. Review status: no assertion criteria provided. Collection method: clinical testing. Allele origin: germline. Affected: yes. Study: VKGL Data-share Consensus. Not counted in ClinVar's aggregate classification.